The following is an entry in ClinVar:

ClinVar aggregate classification (germline): Pathogenic (1 of 4 stars; one submission).

Conditions:
Hereditary cancer-predisposing syndrome. Also called: Neoplastic Syndromes, Hereditary; Tumor predisposition; Hereditary Cancer Syndrome; Hereditary neoplastic syndrome. Identifiers: Orphanet 140162, MedGen C0027672, MeSH D009386, MONDO:0015356.

Submission:

Ambry Genetics
Classification: Pathogenic for Hereditary cancer-predisposing syndrome. Last evaluated: 2018-04-19. Review status: criteria provided, single submitter. Criteria: Ambry Variant Classification Scheme 2023. Collection method: clinical testing. Allele origin: germline.
Comment: The c.1987dupA pathogenic mutation, located in coding exon 13 of the BRIP1 gene, results from a duplication of A at nucleotide position 1987, causing a translational frameshift with a predicted alternate stop codon (p.T663Nfs*6). This alteration is expected to result in loss of function by premature protein truncation or nonsense-mediated mRNA decay. As such, this alteration is interpreted as a disease-causing mutation.

NM_032043.3(BRIP1):c.1987dup (p.Thr663fs)

Gene: BRIP1 (BRCA1 interacting DNA helicase 1; minus strand). Cytogenetic location: 17q23.2.
Variant type: Duplication.
Coding change: c.1987dup on transcript NM_032043.3 (MANE Select); coding-DNA position 1987, one base duplicated (A; older notation c.1987dupA).
Protein change: p.Thr663fs; shifts the reading frame from threonine 663.
Molecular consequence: frameshift variant.
Genome position (GRCh38, 1-based): chr17:61,776,511, T duplicated on the plus strand (A on the coding strand, the reverse complement: BRIP1 is on the minus strand). VCF-style (leftmost placement, unchanged base first): chr17-61776510-G-GT. GRCh37 (hg19) VCF-style: chr17-59853871-G-GT.
Other names: short protein forms T663fs.
Identifiers: ClinVar variation 820450 (VCV000820450.4), dbSNP rs1603328816, ClinGen allele CA915950699.
Genomic context (GRCh38, chr17:61,776,510, plus strand): 5'-ACAGATAACAAAAGTGCTCCCACTTCATCTTGGAACTCAAATGTTTCAGTATTCTGGAAG[G>GT]TAGCACAGAGATTCCGACCCTTGGGGCCTGACCCAATGGTACCAACCCAAACCTAGAATA-3'